The following is an entry in ClinVar:

NM_000238.4(KCNH2):c.3348G>A (p.Ala1116=)

Gene: KCNH2 (potassium voltage-gated channel subfamily H member 2; minus strand). Cytogenetic location: 7q36.1.
Variant type: single nucleotide variant.
Coding change: c.3348G>A on transcript NM_000238.4 (MANE Select); coding-DNA position 3348, G replaced by A.
Protein change: p.Ala1116=; no amino-acid change (alanine 1116 retained).
Molecular consequence: synonymous variant. On other transcripts: non-coding transcript variant (2).
Genome position (GRCh38, 1-based): chr7:150,945,497, C>T on the plus strand (G>A on the coding strand, the complement: KCNH2 is on the minus strand). VCF-style: chr7-150945497-C-T. GRCh37 (hg19) VCF-style: chr7-150642585-C-T.
Other names: p.A1116A:GCG>GCA; c.3060G>A, p.Ala1020= (NM_001406753.1); c.2328G>A, p.Ala776= (NM_172057.3).
Identifiers: ClinVar variation 200268 (VCV000200268.53), dbSNP rs376180501, ClinGen allele CA008241.

ClinVar aggregate classification (germline): Benign/Likely benign. Review status: criteria provided, multiple submitters, no conflicts (2 of 4 stars). 7 submissions from 7 submitters: Benign (1); Likely benign (6). Last evaluated 2026-01-24.

Conditions:
Cardiac arrhythmia. Also called: Arrhythmia; Cardiac rhythm disease. Identifiers: MedGen C0003811, MONDO:0007263, HP:0011675.
Cardiovascular phenotype. Identifiers: MedGen CN230736.
Long QT syndrome (LQTS). Identifiers: MedGen C0023976, MeSH D008133, MONDO:0002442. Disease mechanism: loss of function. Inheritance: Various modes of inheritance.

Allele frequency attached by ClinVar (database versions not stated): gnomAD 0.00010 and 0.00012; TOPMed 0.00009.
gnomAD v4.1: 76 of 1,557,664 alleles (0.0049%); highest among the groups gnomAD compares: African/African-American, 0.041%; no homozygotes.

Submissions (7):

Labcorp Genetics (formerly Invitae), Labcorp
Classification: Likely benign for Long QT syndrome. Last evaluated: 2026-01-24. Review status: criteria provided, single submitter. Criteria: Invitae Variant Classification Sherloc (09022015). Collection method: clinical testing. Allele origin: germline.

Women's Health and Genetics/Laboratory Corporation of America, LabCorp
Classification: Likely benign. Last evaluated: 2025-07-21. Review status: criteria provided, single submitter. Criteria: LabCorp Variant Classification Summary - May 2015. Collection method: clinical testing. Allele origin: germline.

All of Us Research Program, National Institutes of Health
Classification: Likely benign for Long QT syndrome. Last evaluated: 2023-12-18. Review status: criteria provided, single submitter. Criteria: ACMG Guidelines, 2015. Collection method: clinical testing. Allele origin: germline. Inheritance: Autosomal dominant inheritance. Observed: 16 variant alleles, 16 heterozygotes.
Comment: This study involves interpretation of variants in research participants for the purpose of population health screening. Participant phenotype was not available at the time of variant classification. Additional details can be found in publication PMID: 35346344, PMCID: PMC8962531

CeGaT Center for Human Genetics Tuebingen
Classification: Likely benign. Last evaluated: 2020-05-01. Review status: criteria provided, single submitter. Criteria: CeGaT Center For Human Genetics Tuebingen Variant Classification Criteria Version 2. Collection method: clinical testing. Allele origin: germline. Affected: yes. Observed: 1 variant allele.

Ambry Genetics
Classification: Likely benign for Cardiovascular phenotype. Last evaluated: 2019-01-09. Review status: criteria provided, single submitter. Criteria: Ambry Variant Classification Scheme 2023. Collection method: clinical testing. Allele origin: germline.

Color Diagnostics, LLC DBA Color Health
Classification: Likely benign for Arrhythmia. Last evaluated: 2018-11-27. Review status: criteria provided, single submitter. Criteria: ACMG Guidelines, 2015. Collection method: clinical testing. Allele origin: germline.

GeneDx
Classification: Benign. Last evaluated: 2014-03-29. Review status: criteria provided, single submitter. Criteria: GeneDx Variant Classification (06012015). Collection method: clinical testing. Allele origin: germline. Affected: yes.
Comment: This variant is considered likely benign or benign based on one or more of the following criteria: it is a conservative change, it occurs at a poorly conserved position in the protein, it is predicted to be benign by multiple in silico algorithms, and/or has population frequency not consistent with disease.